The following is an entry in ClinVar:

ClinVar aggregate classification (germline): Pathogenic/Likely pathogenic. Review status: criteria provided, multiple submitters, no conflicts (2 of 4 stars). 2 submissions from 2 submitters: Pathogenic (1); Likely pathogenic (1). Last evaluated 2026-04-27.

Conditions:
IFT74-related disorder. Also called: IFT74-related condition; IFT74-Related Disorders.

gnomAD v4.1: 1 of 1,598,906 alleles (0.000063%); highest among the groups gnomAD compares: African/African-American, 0.0013%; no homozygotes.

Submissions (2):

PreventionGenetics, part of Exact Sciences
Classification: Likely pathogenic for IFT74-related condition. Last evaluated: 2026-04-27. Review status: criteria provided, single submitter. Criteria: ACMG Guidelines, 2015. Collection method: clinical testing. Allele origin: germline.
Comment: The IFT74 c.991G>T variant is predicted to result in premature protein termination (p.Glu331*). To our knowledge, this variant has not been reported in the literature or in a large population database (gnomAD), indicating this variant is rare. Nonsense variants in IFT74 are expected to be pathogenic. This variant is interpreted as likely pathogenic.

Labcorp Genetics (formerly Invitae), Labcorp
Classification: Pathogenic. Last evaluated: 2025-04-17. Review status: criteria provided, single submitter. Criteria: Invitae Variant Classification Sherloc (09022015). Collection method: clinical testing. Allele origin: germline.
Comment: This sequence change creates a premature translational stop signal (p.Glu331*) in the IFT74 gene. It is expected to result in an absent or disrupted protein product. Loss-of-function variants in IFT74 are known to be pathogenic (PMID: 33531668). This variant is not present in population databases (gnomAD no frequency). This variant has not been reported in the literature in individuals affected with IFT74-related conditions. ClinVar contains an entry for this variant (Variation ID: 3694595). Algorithms developed to predict the effect of sequence changes on RNA splicing suggest that this variant may disrupt the consensus splice site. For these reasons, this variant has been classified as Pathogenic.

Literature cited by the submitters: PubMed 33531668 (cited by Labcorp Genetics (formerly Invitae), Labcorp).

NM_025103.4(IFT74):c.991G>T (p.Glu331Ter)

Gene: IFT74 (intraflagellar transport 74; plus strand). Cytogenetic location: 9p21.2.
Variant type: single nucleotide variant.
Coding change: c.991G>T on transcript NM_025103.4 (MANE Select); coding-DNA position 991, G replaced by T.
Protein change: p.Glu331Ter; replaces glutamic acid 331 with a stop codon.
Molecular consequence: nonsense.
Genome position (GRCh38, 1-based): chr9:27,029,041, G>T. VCF-style: chr9-27029041-G-T. GRCh37 (hg19) VCF-style: chr9-27029039-G-T.
Other names: c.991G>T, p.Glu331Ter (NM_001099222.3, NM_001099223.3, NM_001099224.3 and 1 more transcripts); c.991G>T (NM_025103.2); short protein forms E331*.
Identifiers: ClinVar variation 3694595 (VCV003694595.3).